The following is an entry in ClinVar:

ClinVar aggregate classification (germline): Pathogenic (1 of 4 stars; one submission).

Submission:

Labcorp Genetics (formerly Invitae), Labcorp
Classification: Pathogenic. Last evaluated: 2023-01-24. Review status: criteria provided, single submitter. Criteria: Invitae Variant Classification Sherloc (09022015). Collection method: clinical testing. Allele origin: unknown.
Comment: For these reasons, this variant has been classified as Pathogenic. A similar copy number variant has been observed in individual(s) with common variable immunodeficiency (PMID: 29477724). A gross deletion of the genomic region encompassing the full coding sequence of the NFKB1 gene has been identified. Loss-of-function variants in NFKB1 are known to be pathogenic (PMID: 26279205, 29477724). The boundaries of this event are unknown as they extend beyond the assayed region for this gene and therefore may encompass additional genes.

Literature cited by the submitters: PubMed 29477724; PubMed 26279205.

NC_000004.11:g.(?_101947022)_(104640852_?)del

Genes: BANK1 (B cell scaffold protein with ankyrin repeats 1; plus strand), BDH2 (3-hydroxybutyrate dehydrogenase 2; minus strand), CENPE (centromere protein E; minus strand), CISD2 (CDGSH iron sulfur domain 2; plus strand), MANBA (mannosidase beta; minus strand) and 7 more. Cytogenetic location: 4q24.
Variant type: Deletion.
Identifiers: ClinVar variation 3246728 (VCV003246728.1).